The following is an entry in ClinVar:

NM_000384.3(APOB):c.522G>C (p.Lys174Asn)

Gene: APOB (apolipoprotein B; minus strand). Cytogenetic location: 2p24.1.
Variant type: single nucleotide variant.
Coding change: c.522G>C on transcript NM_000384.3 (MANE Select); coding-DNA position 522, G replaced by C.
Protein change: p.Lys174Asn; replaces lysine 174 with asparagine.
Molecular consequence: missense variant.
Genome position (GRCh38, 1-based): chr2:21,037,973, C>G on the plus strand (G>C on the coding strand, the complement: APOB is on the minus strand). VCF-style: chr2-21037973-C-G. GRCh37 (hg19) VCF-style: chr2-21260845-C-G.
Other names: short protein forms K174N.
Identifiers: ClinVar variation 653637 (VCV000653637.11), dbSNP rs1479545193, ClinGen allele CA345962429.
Genomic context (GRCh38, chr2:21,037,973, plus strand): 5'-AGATGAGTTTCAAGGGCCACTGCTATCAGCTTTCTAAATCCTCACCAGAAACAACACTTG[C>G]TTGGCTTCTTCTGTCTCTGGGGGAACCAGGAGGGCAGAAATGATGCCCCTCTTGATGTTC-3'
Protein context (NP_000375.3, residues 164-184): LLVPPETEEA[Lys174Asn]QVLFLDTVYG

ClinVar aggregate classification (germline): Uncertain significance (1 of 4 stars; one submission).

Conditions:
Familial hypobetalipoproteinemia 1. Also called: Hypobetalipoproteinemia, normotriglyceridemic; Acanthocytosis with hypobetalipoproteinemia; APOB-Related Familial Hypobetalipoproteinemia. Identifiers: MedGen C4551990, MONDO:0014252, OMIM 615558.
Hypercholesterolemia, autosomal dominant, type B (FHCL2). Also called: Familial Hypercholesterolemia Type B; APOLIPOPROTEIN B-100, FAMILIAL DEFECTIVE; APOLIPOPROTEIN B-100, FAMILIAL LIGAND-DEFECTIVE; HYPERCHOLESTEROLEMIA, FAMILIAL, DUE TO LIGAND-DEFECTIVE APOLIPOPROTEIN B; Familial hypercholesterolemia 2; APOB-Related Familial Hypercholesterolemia, Autosomal Dominant. Identifiers: MedGen C1704417, MONDO:0007751, OMIM 144010.

Allele frequency attached by ClinVar (database versions not stated): gnomAD exomes below 0.00001; TOPMed below 0.00001; gnomAD 0.00001.
gnomAD v4.1: 2 of 1,614,100 alleles (0.00012%); highest among the groups gnomAD compares: Non-Finnish European, 0.00017%; no homozygotes.

Submission:

Labcorp Genetics (formerly Invitae), Labcorp
Classification: Uncertain significance for Familial hypobetalipoproteinemia 1; Hypercholesterolemia, autosomal dominant, type B. Last evaluated: 2022-10-05. Review status: criteria provided, single submitter. Criteria: Invitae Variant Classification Sherloc (09022015). Collection method: clinical testing. Allele origin: germline.
Comment: In summary, the available evidence is currently insufficient to determine the role of this variant in disease. Therefore, it has been classified as a Variant of Uncertain Significance. Advanced modeling of protein sequence and biophysical properties (such as structural, functional, and spatial information, amino acid conservation, physicochemical variation, residue mobility, and thermodynamic stability) performed at Invitae indicates that this missense variant is not expected to disrupt APOB protein function. ClinVar contains an entry for this variant (Variation ID: 653637). This variant has not been reported in the literature in individuals affected with APOB-related conditions. This variant is not present in population databases (gnomAD no frequency). This sequence change replaces lysine, which is basic and polar, with asparagine, which is neutral and polar, at codon 174 of the APOB protein (p.Lys174Asn).